The following is an entry in ClinVar:

ClinVar aggregate classification (germline): Uncertain significance (1 of 4 stars; one submission).

Conditions:
Alstrom syndrome (ALMS). Identifiers: Orphanet 64, MedGen C0268425, MONDO:0008763, OMIM 203800.

Submission:

Labcorp Genetics (formerly Invitae), Labcorp
Classification: Uncertain significance for Alstrom syndrome. Last evaluated: 2024-11-05. Review status: criteria provided, single submitter. Criteria: Invitae Variant Classification Sherloc (09022015). Collection method: clinical testing. Allele origin: germline.
Comment: This sequence change replaces arginine with lysine at codon 1945 of the ALMS1 protein (p.Arg1945Lys). The arginine residue is weakly conserved and there is a small physicochemical difference between arginine and lysine. This variant is not present in population databases (gnomAD no frequency). This variant has not been reported in the literature in individuals affected with ALMS1-related conditions. ClinVar contains an entry for this variant (Variation ID: 1425889). Experimental studies and prediction algorithms are not available or were not evaluated, and the functional significance of this variant is currently unknown. In summary, the available evidence is currently insufficient to determine the role of this variant in disease. Therefore, it has been classified as a Variant of Uncertain Significance.

NM_001378454.1(ALMS1):c.5831G>A (p.Arg1944Lys)

Gene: ALMS1 (ALMS1 centrosome and basal body associated protein; plus strand). Cytogenetic location: 2p13.1.
Variant type: single nucleotide variant.
Coding change: c.5831G>A on transcript NM_001378454.1 (MANE Select); coding-DNA position 5831, G replaced by A.
Protein change: p.Arg1944Lys; replaces arginine 1944 with lysine.
Molecular consequence: missense variant.
Genome position (GRCh38, 1-based): chr2:73,452,358, G>A. VCF-style: chr2-73452358-G-A. GRCh37 (hg19) VCF-style: chr2-73679485-G-A.
Other names: c.5834G>A, p.Arg1945Lys (NM_015120.4); short protein forms R1944K, R1945K.
Identifiers: ClinVar variation 1425889 (VCV001425889.6), dbSNP rs2103787852, ClinGen allele CA347283449.
Genomic context (GRCh38, chr2:73,452,358, plus strand): 5'-CTGGACAAGGTGACCGGAAGACTGAGATACCAACAGTACCTTTAAGTTACTACTCACGTA[G>A]AGAGAAGCCCAGTGTTATCTCTCAACAGGAGTTGCCAGACAGTCATCTCACAGAAGAGGC-3'
Protein context (NP_001365383.1, residues 1934-1954): PTVPLSYYSR[Arg1944Lys]EKPSVISQQE